The following is an entry in ClinVar:

NM_007294.4(BRCA1):c.2918T>C (p.Leu973Pro)

Gene: BRCA1 (BRCA1 DNA repair associated; minus strand). Cytogenetic location: 17q21.31.
Variant type: single nucleotide variant.
Coding change: c.2918T>C on transcript NM_007294.4 (MANE Select); coding-DNA position 2918, T replaced by C.
Protein change: p.Leu973Pro; replaces leucine 973 with proline.
Molecular consequence: missense variant. On other transcripts: intron variant (137).
Genome position (GRCh38, 1-based): chr17:43,092,613, A>G on the plus strand (T>C on the coding strand, the complement: BRCA1 is on the minus strand). VCF-style: chr17-43092613-A-G. GRCh37 (hg19) VCF-style: chr17-41244630-A-G.
Other names: c.788-1581T>C (NM_001408404.1, NM_001408472.1, NM_007299.4 and 17 more transcripts); c.788-474T>C (NM_001407968.1, NM_001407969.1); c.644-1581T>C (NM_001408468.1, NM_001408470.1, NM_001408465.1 and 3 more transcripts); c.578-1581T>C (NM_001408492.1, NM_001408489.1, NM_001408479.1 and 9 more transcripts); c.2915T>C, p.Leu972Pro (NM_001407614.1, NM_001407612.1, NM_001407613.1 and 22 more transcripts); c.2918T>C, p.Leu973Pro (NM_001407616.1, NM_001407617.1, NM_001407618.1 and 30 more transcripts); c.2840T>C, p.Leu947Pro (NM_001407653.1, NM_001407654.1, NM_001407655.1 and 4 more transcripts); c.2837T>C, p.Leu946Pro (NM_001407659.1, NM_001407660.1, NM_001407661.1 and 1 more transcripts); and 41 more; short protein forms L845P, L846P, L884P, L905P, L947P, L973P, L861P, L862P.
Identifiers: ClinVar variation 3992599 (VCV003992599.2).

ClinVar aggregate classification (germline): Uncertain significance. Review status: criteria provided, multiple submitters, no conflicts (2 of 4 stars). 2 submissions from 2 submitters: Uncertain significance (2). Last evaluated 2025-10-06.

Conditions:
Hereditary cancer-predisposing syndrome. Also called: Tumor predisposition; Hereditary neoplastic syndrome; Neoplastic Syndromes, Hereditary; Hereditary Cancer Syndrome. Identifiers: Orphanet 140162, MedGen C0027672, MeSH D009386, MONDO:0015356.

Submissions (2):

Color Diagnostics, LLC DBA Color Health
Classification: Uncertain significance for Hereditary cancer-predisposing syndrome. Last evaluated: 2025-10-06. Review status: criteria provided, single submitter. Criteria: ACMG Guidelines, 2015. Collection method: clinical testing. Allele origin: germline.
Comment: This missense variant replaces leucine with proline at codon 973 of the BRCA1 protein. Computational prediction is inconclusive regarding the impact of this variant on protein structure and function. To our knowledge, functional studies have not been reported for this variant. This variant has not been reported in individuals affected with BRCA1-related disorders in the literature. This variant has not been identified in the general population by the Genome Aggregation Database (gnomAD). The available evidence is insufficient to determine the role of this variant in disease conclusively. Therefore, this variant is classified as a Variant of Uncertain Significance.

Ambry Genetics
Classification: Uncertain significance for Hereditary cancer-predisposing syndrome. Last evaluated: 2025-04-03. Review status: criteria provided, single submitter. Criteria: Ambry Variant Classification Scheme 2023. Collection method: clinical testing. Allele origin: germline.
Comment: The p.L973P variant (also known as c.2918T>C), located in coding exon 9 of the BRCA1 gene, results from a T to C substitution at nucleotide position 2918. The leucine at codon 973 is replaced by proline, an amino acid with similar properties. This amino acid position is poorly conserved in available vertebrate species. In addition, the in silico prediction for this alteration is inconclusive. Based on the available evidence, the clinical significance of this variant remains unclear.